The following is an entry in ClinVar:

ClinVar aggregate classification (germline): Conflicting classifications of pathogenicity. Review status: criteria provided, conflicting classifications (1 of 4 stars). 6 submissions from 6 submitters: Uncertain significance (2); Likely benign (3). 1 of the submissions does not count toward it. Last evaluated 2026-08-28.

Conditions:
CDH23-related disorder. Also called: CDH23-related disorders; CDH23-related condition.
Usher syndrome type 1 (USH1). Also called: RETINITIS PIGMENTOSA AND CONGENITAL DEAFNESS. Identifiers: Orphanet 231169, Orphanet 886, MedGen C1568247, MONDO:0010168, OMIM 276900.

Allele frequency attached by ClinVar (database versions not stated): TOPMed 0.00037; ESP Exome Variant Server 0.00040; 1000 Genomes Project 0.00040; 1000 Genomes Project 30x 0.00047.
gnomAD v4.1: 184 of 1,614,018 alleles (0.011%); highest among the groups gnomAD compares: African/African-American, 0.13%; 1 homozygote.

Submissions (6):

PreventionGenetics, part of Exact Sciences
Classification: Uncertain significance for CDH23-related condition. Last evaluated: 2026-08-28. Review status: criteria provided, single submitter. Criteria: ACMG Guidelines, 2015. Collection method: clinical testing. Allele origin: germline.
Comment: The CDH23 c.3508C>T variant is predicted to result in the amino acid substitution p.Arg1170Trp. To our knowledge, this variant has not been reported in the literature. This variant is reported in 0.13% of alleles in individuals of African descent in gnomAD, which may be too common to be a primary cause of disease. Although we suspect that this variant may be benign, at this time, the clinical significance of this variant is uncertain due to the absence of conclusive functional and genetic evidence.

Labcorp Genetics (formerly Invitae), Labcorp
Classification: Likely benign. Last evaluated: 2026-01-29. Review status: criteria provided, single submitter. Criteria: Invitae Variant Classification Sherloc (09022015). Collection method: clinical testing. Allele origin: germline.

Blueprint Genetics
Classification: Likely benign. Last evaluated: 2024-11-22. Review status: criteria provided, single submitter. Criteria: ACMG Guidelines, 2015. Collection method: clinical testing. Allele origin: germline.

CeGaT Center for Human Genetics Tuebingen
Classification: Likely benign. Last evaluated: 2024-09-01. Review status: criteria provided, single submitter. Criteria: CeGaT Center For Human Genetics Tuebingen Variant Classification Criteria Version 2. Collection method: clinical testing. Allele origin: germline. Affected: yes. Observed: 2 variant alleles.
Comment: CDH23: BP4

Breakthrough Genomics
Classification: Uncertain significance. Review status: criteria provided, single submitter. Criteria: ACMG Guidelines, 2015. Collection method: not provided. Allele origin: germline. Inheritance: Autosomal recessive inheritance. Affected: yes.

Natera, Inc.
Classification: Uncertain significance for Usher syndrome type 1. Last evaluated: 2020-04-13. Review status: no assertion criteria provided. Collection method: clinical testing. Allele origin: germline. Not counted in ClinVar's aggregate classification.

NM_022124.6(CDH23):c.3508C>T (p.Arg1170Trp)

Genes: C10orf105 (chromosome 10 open reading frame 105; minus strand), CDH23 (cadherin related 23; plus strand). Cytogenetic location: 10q22.1.
Variant type: single nucleotide variant.
Coding change: c.3508C>T on transcript NM_022124.6 (MANE Select); coding-DNA position 3508, C replaced by T.
Protein change: p.Arg1170Trp; replaces arginine 1170 with tryptophan.
Molecular consequence: missense variant. On other transcripts: intron variant (1).
Genome position (GRCh38, 1-based): chr10:71,725,449, C>T. VCF-style: chr10-71725449-C-T. GRCh37 (hg19) VCF-style: chr10-73485206-C-T.
Other names: c.3508C>T, p.Arg1170Trp (NM_001171930.2); c.-5-9107G>A (NM_001168390.2); short protein forms R1170W.
Identifiers: ClinVar variation 862967 (VCV000862967.33), dbSNP rs199866703, ClinGen allele CA5544750.